The following is an entry in ClinVar:

NM_001211.6(BUB1B):c.289A>G (p.Asn97Asp)

Gene: BUB1B (BUB1 mitotic checkpoint serine/threonine kinase B; plus strand). Cytogenetic location: 15q15.1.
Variant type: single nucleotide variant.
Coding change: c.289A>G on transcript NM_001211.6 (MANE Select); coding-DNA position 289, A replaced by G.
Protein change: p.Asn97Asp; replaces asparagine 97 with aspartic acid.
Molecular consequence: missense variant.
Genome position (GRCh38, 1-based): chr15:40,170,586, A>G. VCF-style: chr15-40170586-A-G. GRCh37 (hg19) VCF-style: chr15-40462787-A-G.
Other names: short protein forms N97D.
Identifiers: ClinVar variation 2086349 (VCV002086349.5), dbSNP rs756102609, ClinGen allele CA7475444.

ClinVar aggregate classification (germline): Uncertain significance. Review status: criteria provided, multiple submitters, no conflicts (2 of 4 stars). 2 submissions from 2 submitters: Uncertain significance (2). Last evaluated 2025-12-02.

Conditions:
Inborn genetic diseases. Identifiers: MedGen C0950123, MeSH D030342.
Mosaic variegated aneuploidy syndrome 1 (MVA1). Also called: Warburton-Anyane-Yeboa syndrome. Identifiers: Orphanet 1052, MedGen C1850343, MONDO:0009759, OMIM 257300.

Allele frequency attached by ClinVar (database versions not stated): ExAC 0.00001; gnomAD 0.00001; gnomAD exomes 0.00001; TOPMed 0.00003.
gnomAD v4.1: 14 of 1,613,068 alleles (0.00087%); highest among the groups gnomAD compares: African/African-American, 0.0027%; no homozygotes.

Submissions (2):

Ambry Genetics
Classification: Uncertain significance for Inborn genetic diseases. Last evaluated: 2025-12-02. Review status: criteria provided, single submitter. Criteria: Ambry Variant Classification Scheme 2023. Collection method: clinical testing. Allele origin: germline.

Labcorp Genetics (formerly Invitae), Labcorp
Classification: Uncertain significance for Mosaic variegated aneuploidy syndrome 1. Last evaluated: 2025-06-09. Review status: criteria provided, single submitter. Criteria: Invitae Variant Classification Sherloc (09022015). Collection method: clinical testing. Allele origin: germline.
Comment: This sequence change replaces asparagine, which is neutral and polar, with aspartic acid, which is acidic and polar, at codon 97 of the BUB1B protein (p.Asn97Asp). This variant is present in population databases (rs756102609, gnomAD 0.01%). This variant has not been reported in the literature in individuals affected with BUB1B-related conditions. ClinVar contains an entry for this variant (Variation ID: 2086349). An algorithm developed to predict the effect of missense changes on protein structure and function (PolyPhen-2) suggests that this variant is likely to be disruptive. In summary, the available evidence is currently insufficient to determine the role of this variant in disease. Therefore, it has been classified as a Variant of Uncertain Significance.